The following is an entry in ClinVar:

ClinVar aggregate classification (germline): Uncertain significance. Review status: criteria provided, multiple submitters, no conflicts (2 of 4 stars). 2 submissions from 2 submitters: Uncertain significance (2). Last evaluated 2024-09-25.

Conditions:
Inborn genetic diseases. Identifiers: MedGen C0950123, MeSH D030342.

Submissions (2):

Ambry Genetics
Classification: Uncertain significance for Inborn genetic diseases. Last evaluated: 2024-09-25. Review status: criteria provided, single submitter. Criteria: Ambry Variant Classification Scheme 2023. Collection method: clinical testing. Allele origin: germline.

GeneDx
Classification: Uncertain significance. Last evaluated: 2024-08-22. Review status: criteria provided, single submitter. Criteria: GeneDx Variant Classification Process June 2021. Collection method: clinical testing. Allele origin: germline. Affected: yes.
Comment: Not observed at significant frequency in large population cohorts (gnomAD); In silico analysis indicates that this missense variant does not alter protein structure/function; Has not been previously published as pathogenic or benign to our knowledge

NM_198578.4(LRRK2):c.4064T>A (p.Met1355Lys)

Gene: LRRK2 (leucine rich repeat kinase 2; plus strand). Cytogenetic location: 12q12.
Variant type: single nucleotide variant.
Coding change: c.4064T>A on transcript NM_198578.4 (MANE Select); coding-DNA position 4064, T replaced by A.
Protein change: p.Met1355Lys; replaces methionine 1355 with lysine.
Molecular consequence: missense variant.
Genome position (GRCh38, 1-based): chr12:40,308,571, T>A. VCF-style: chr12-40308571-T-A. GRCh37 (hg19) VCF-style: chr12-40702373-T-A.
Other names: short protein forms M1355K.
Identifiers: ClinVar variation 3540801 (VCV003540801.2).